The following is an entry in ClinVar:

NM_000038.6(APC):c.1868G>T (p.Arg623Leu)

Gene: APC (APC regulator of Wnt signaling pathway; plus strand). Cytogenetic location: 5q22.2.
Variant type: single nucleotide variant.
Coding change: c.1868G>T on transcript NM_000038.6 (MANE Select); coding-DNA position 1868, G replaced by T.
Protein change: p.Arg623Leu; replaces arginine 623 with leucine.
Molecular consequence: missense variant. On other transcripts: non-coding transcript variant (2).
Genome position (GRCh38, 1-based): chr5:112,835,075, G>T. VCF-style: chr5-112835075-G-T. GRCh37 (hg19) VCF-style: chr5-112170772-G-T.
Other names: c.1868G>T, p.Arg623Leu (NM_001127510.3, NM_001354895.2, NM_001407450.1); c.1814G>T, p.Arg605Leu (NM_001127511.3); c.1922G>T, p.Arg641Leu (NM_001354896.2, NM_001407447.1, NM_001407448.1 and 1 more transcripts); c.1898G>T, p.Arg633Leu (NM_001354897.2); c.1793G>T, p.Arg598Leu (NM_001354898.2); c.1784G>T, p.Arg595Leu (NM_001354899.2); c.1745G>T, p.Arg582Leu (NM_001354900.2); c.1691G>T, p.Arg564Leu (NM_001354901.2, NM_001407453.1); and 11 more; short protein forms R497L, R532L, R598L, R651L, R340L, R494L, R540L, R582L.
Identifiers: ClinVar variation 3635413 (VCV003635413.2).

ClinVar aggregate classification (germline): Uncertain significance (1 of 4 stars; one submission).

Conditions:
Familial adenomatous polyposis 1 (FAP1). Also called: FAMILIAL ADENOMATOUS POLYPOSIS 1, ATTENUATED; POLYPOSIS, ADENOMATOUS INTESTINAL. Identifiers: MedGen C2713442, MONDO:0021056, OMIM 175100. Disease mechanism: loss of function.

Submission:

Labcorp Genetics (formerly Invitae), Labcorp
Classification: Uncertain significance for Familial adenomatous polyposis 1. Last evaluated: 2025-11-11. Review status: criteria provided, single submitter. Criteria: Invitae Variant Classification Sherloc (09022015). Collection method: clinical testing. Allele origin: germline.
Comment: This sequence change replaces arginine, which is basic and polar, with leucine, which is neutral and non-polar, at codon 623 of the APC protein (p.Arg623Leu). This variant is not present in population databases (gnomAD no frequency). This variant has not been reported in the literature in individuals affected with APC-related conditions. ClinVar contains an entry for this variant (Variation ID: 3635413). Invitae Evidence Modeling of protein sequence and biophysical properties (such as structural, functional, and spatial information, amino acid conservation, physicochemical variation, residue mobility, and thermodynamic stability) indicates that this missense variant is not expected to disrupt APC protein function with a negative predictive value of 95%. In summary, the available evidence is currently insufficient to determine the role of this variant in disease. Therefore, it has been classified as a Variant of Uncertain Significance.